The following is an entry in ClinVar:

ClinVar aggregate classification (germline): Likely pathogenic (1 of 4 stars; one submission).

Conditions:
Neurofibromatosis, type 1 (NF1). Also called: NEUROFIBROMATOSIS, TYPE I, SOMATIC; VON RECKLINGHAUSEN DISEASE; Peripheral type neurofibromatosis; Neurofibromatosis, type I. Identifiers: Orphanet 636, MedGen C0027831, MONDO:0018975, OMIM 162200. Disease mechanism: loss of function.

Submission:

Labcorp Genetics (formerly Invitae), Labcorp
Classification: Likely pathogenic for Neurofibromatosis, type 1. Last evaluated: 2025-05-19. Review status: criteria provided, single submitter. Criteria: Invitae Variant Classification Sherloc (09022015). Collection method: clinical testing. Allele origin: germline.
Comment: This variant results in the deletion of part of exon 48 (c.7127-1_7136del) of the NF1 gene. It is expected to disrupt RNA splicing. Variants that disrupt the donor or acceptor splice site typically lead to a loss of protein function (PMID: 16199547), and loss-of-function variants in NF1 are known to be pathogenic (PMID: 10712197, 23913538). This variant is not present in population databases (gnomAD no frequency). This variant has not been reported in the literature in individuals affected with NF1-related conditions. In summary, the currently available evidence indicates that the variant is pathogenic, but additional data are needed to prove that conclusively. Therefore, this variant has been classified as Likely Pathogenic.

Literature cited by the submitters: PubMed 16199547; PubMed 10712197; PubMed 23913538.

NM_001042492.3(NF1):c.7190-1_7199del

Gene: NF1 (neurofibromin 1; plus strand). Cytogenetic location: 17q11.2.
Variant type: Deletion.
Coding change: c.7190-1_7199del on transcript NM_001042492.3 (MANE Select); the canonical splice acceptor site of the intron before coding-DNA position 7190 through coding-DNA position 7199, 11 bases deleted (GGGTACAGGCA).
Molecular consequence: splice acceptor variant.
Genome position (GRCh38, 1-based): chr17:31,349,119-31,349,129, GGGTACAGGCA deleted; deleting any 11 consecutive bases within chr17:31,349,118-31,349,129 gives the same sequence; the c. name uses the placement nearest the transcript's 3' end. VCF-style (leftmost placement, unchanged base first): chr17-31349117-TAGGGTACAGGC-T. GRCh37 (hg19) VCF-style: chr17-29676135-TAGGGTACAGGC-T.
Other names: c.7127-1_7136del (NM_000267.4).
Identifiers: ClinVar variation 4719822 (VCV004719822.1).
Genomic context (GRCh38, chr17:31,349,117, plus strand): 5'-CAGATGCTTGTTCAAAAAATTAATTCTTACTTGTTTGTTTGTTTGTTTGTTTGTTTTTTG[TAGGGTACAGGC>T]ATCCTTCACCTGCTATTGTTGCAAGAACAGTCAGAATTTTACATACACTACTAACTCTGG-3'